The following is an entry in ClinVar:

ClinVar aggregate classification (germline): Uncertain significance. Review status: criteria provided, single submitter (1 of 4 stars). 2 submissions from 2 submitters: Uncertain significance (1). 1 of the submissions does not count toward it. Last evaluated 2025-05-20.

Conditions:
UBR4-related disorder. Also called: UBR4-related condition.

gnomAD v4.1: 59 of 1,614,026 alleles (0.0037%); highest among the groups gnomAD compares: East Asian, 0.013%; no homozygotes.

Submissions (2):

Ambry Genetics
Classification: Uncertain significance. Last evaluated: 2025-05-20. Review status: criteria provided, single submitter. Criteria: Ambry Variant Classification Scheme 2023. Collection method: clinical testing. Allele origin: germline.

PreventionGenetics, part of Exact Sciences
Classification: Uncertain significance for UBR4-related condition. Last evaluated: 2024-03-13. Review status: no assertion criteria provided. Collection method: clinical testing. Allele origin: germline. Not counted in ClinVar's aggregate classification.
Comment: The UBR4 c.10259A>G variant is predicted to result in the amino acid substitution p.Asn3420Ser. To our knowledge, this variant has not been reported in the literature. This variant is reported in 0.0050% of alleles in individuals of East Asian descent in gnomAD. At this time, the clinical significance of this variant is uncertain due to the absence of conclusive functional and genetic evidence.

NM_020765.3(UBR4):c.10259A>G (p.Asn3420Ser)

Genes: UBR4 (ubiquitin protein ligase E3 component n-recognin 4; minus strand), LOC126805641 (BRD4-independent group 4 enhancer GRCh37_chr1:19446050-19447249; plus strand). Cytogenetic location: 1p36.13.
Variant type: single nucleotide variant.
Coding change: c.10259A>G on transcript NM_020765.3 (MANE Select); coding-DNA position 10259, A replaced by G.
Protein change: p.Asn3420Ser; replaces asparagine 3420 with serine.
Molecular consequence: missense variant.
Genome position (GRCh38, 1-based): chr1:19,120,231, T>C on the plus strand (A>G on the coding strand, the complement: UBR4 is on the minus strand). VCF-style: chr1-19120231-T-C. GRCh37 (hg19) VCF-style: chr1-19446725-T-C.
Other names: short protein forms N3420S.
Identifiers: ClinVar variation 3351238 (VCV003351238.2).